The following is an entry in ClinVar:

NM_001197104.2(KMT2A):c.8431C>T (p.Arg2811Cys)

Gene: KMT2A (lysine methyltransferase 2A; plus strand). Cytogenetic location: 11q23.3.
Variant type: single nucleotide variant.
Coding change: c.8431C>T on transcript NM_001197104.2 (MANE Select); coding-DNA position 8431, C replaced by T.
Protein change: p.Arg2811Cys; replaces arginine 2811 with cysteine.
Molecular consequence: missense variant.
Genome position (GRCh38, 1-based): chr11:118,504,323, C>T. VCF-style: chr11-118504323-C-T. GRCh37 (hg19) VCF-style: chr11-118375038-C-T.
Other names: c.8521C>T, p.Arg2841Cys (NM_001412597.1); c.8422C>T, p.Arg2808Cys (NM_005933.4); short protein forms R2808C, R2811C, R2841C.
Identifiers: ClinVar variation 1925660 (VCV001925660.5), dbSNP rs782078199, ClinGen allele CA382813699.

ClinVar aggregate classification (germline): Uncertain significance (1 of 4 stars; one submission).

Allele frequency attached by ClinVar (database versions not stated): gnomAD 0.00001.
gnomAD v4.1: 10 of 1,613,992 alleles (0.00062%); highest among the groups gnomAD compares: East Asian, 0.0022%; no homozygotes.

Submission:

Labcorp Genetics (formerly Invitae), Labcorp
Classification: Uncertain significance. Last evaluated: 2024-09-08. Review status: criteria provided, single submitter. Criteria: Invitae Variant Classification Sherloc (09022015). Collection method: clinical testing. Allele origin: germline.
Comment: This sequence change replaces arginine, which is basic and polar, with cysteine, which is neutral and slightly polar, at codon 2811 of the KMT2A protein (p.Arg2811Cys). This variant is present in population databases (no rsID available, gnomAD 0.005%). This variant has not been reported in the literature in individuals affected with KMT2A-related conditions. ClinVar contains an entry for this variant (Variation ID: 1925660). Invitae Evidence Modeling of protein sequence and biophysical properties (such as structural, functional, and spatial information, amino acid conservation, physicochemical variation, residue mobility, and thermodynamic stability) indicates that this missense variant is not expected to disrupt KMT2A protein function with a negative predictive value of 95%. In summary, the available evidence is currently insufficient to determine the role of this variant in disease. Therefore, it has been classified as a Variant of Uncertain Significance.